The following is an entry in ClinVar:

ClinVar aggregate classification (germline): Uncertain significance (1 of 4 stars; one submission).

Submission:

Labcorp Genetics (formerly Invitae), Labcorp
Classification: Uncertain significance. Last evaluated: 2022-02-08. Review status: criteria provided, single submitter. Criteria: Invitae Variant Classification Sherloc (09022015). Collection method: clinical testing. Allele origin: germline.
Comment: This variant has not been reported in the literature in individuals affected with DFNA5-related conditions. This variant is not present in population databases (gnomAD no frequency). This sequence change creates a premature translational stop signal (p.Leu282*) in the DFNA5 gene. It is expected to result in an absent or disrupted protein product. However, the current clinical and genetic evidence is not sufficient to establish whether loss-of-function variants in DFNA5 cause disease. In summary, the available evidence is currently insufficient to determine the role of this variant in disease. Therefore, it has been classified as a Variant of Uncertain Significance.

NM_001127453.2(GSDME):c.845del (p.Pro281_Leu282insTer)

Gene: GSDME (gasdermin E; minus strand). Cytogenetic location: 7p15.3.
Variant type: Deletion.
Coding change: c.845del on transcript NM_001127453.2 (MANE Select); coding-DNA position 845, one base deleted (T; older notation c.845delT).
Protein change: p.Pro281_Leu282insTer.
Molecular consequence: nonsense.
Genome position (GRCh38, 1-based): chr7:24,710,241, A deleted on the plus strand (T on the coding strand, the reverse complement: GSDME is on the minus strand); the first of 2 consecutive A bases (chr7:24,710,241-24,710,242); deleting either gives the same sequence. VCF-style (leftmost placement, unchanged base first): chr7-24710240-TA-T. GRCh37 (hg19) VCF-style: chr7-24749859-TA-T.
Other names: c.353del, p.Pro117_Leu118insTer (NM_001127454.2); c.845del, p.Pro281_Leu282insTer (NM_004403.3).
Identifiers: ClinVar variation 2094852 (VCV002094852.4), dbSNP rs2534988066, ClinGen allele CA2580076957.
Genomic context (GRCh38, chr7:24,710,240, plus strand): 5'-AGTTGGCCCTCAACTGCCCACTACTCCTGCCCTGCTGGCAATACCTTGCTTTAAAACACT[TA>T]ATGGTCCATCCTGGGAAGATATCCCATGCGCAGCATCTGGCATGTCTATGAATGCAAACT-3'